The following is an entry in ClinVar:

NM_000065.5(C6):c.419G>A (p.Cys140Tyr)

Gene: C6 (complement C6; minus strand). Cytogenetic location: 5p13.1.
Variant type: single nucleotide variant.
Coding change: c.419G>A on transcript NM_000065.5 (MANE Select); coding-DNA position 419, G replaced by A.
Protein change: p.Cys140Tyr; replaces cysteine 140 with tyrosine.
Molecular consequence: missense variant.
Genome position (GRCh38, 1-based): chr5:41,199,794, C>T on the plus strand (G>A on the coding strand, the complement: C6 is on the minus strand). VCF-style: chr5-41199794-C-T. GRCh37 (hg19) VCF-style: chr5-41199896-C-T.
Other names: c.419G>A, p.Cys140Tyr (NM_001115131.4); short protein forms C140Y.
Identifiers: ClinVar variation 5020321 (VCV005020321.1).

ClinVar aggregate classification (germline): Uncertain significance (1 of 4 stars; one submission).

Submission:

Dasa
Classification: Uncertain significance. Last evaluated: 2026-06-23. Review status: criteria provided, single submitter. Criteria: DASA Assertion Criteria. Collection method: clinical testing. Allele origin: germline.
Comment: NM_000065.5(C6):c.419G>A (p.Cys140Tyr) is a missense variant that results in the substitution of cysteine with tyrosine. This variant is rare in population databases. Computational prediction algorithms are consistent with a deleterious effect. The currently available literature and clinical evidence are not sufficient to establish a definitive association between this variant and the reported condition. Therefore, this variant is classified as a variant of uncertain significance.